The following is an entry in ClinVar:

ClinVar aggregate classification (germline): Uncertain significance (1 of 4 stars; one submission).

Allele frequency attached by ClinVar (database versions not stated): TOPMed below 0.00001.

Submission:

Labcorp Genetics (formerly Invitae), Labcorp
Classification: Uncertain significance. Last evaluated: 2022-08-20. Review status: criteria provided, single submitter. Criteria: Invitae Variant Classification Sherloc (09022015). Collection method: clinical testing. Allele origin: germline.
Comment: This sequence change replaces lysine, which is basic and polar, with arginine, which is basic and polar, at codon 1241 of the MCM3AP protein (p.Lys1241Arg). This variant is not present in population databases (gnomAD no frequency). This variant has not been reported in the literature in individuals affected with MCM3AP-related conditions. Algorithms developed to predict the effect of missense changes on protein structure and function output the following: SIFT: "Deleterious"; PolyPhen-2: "Benign"; Align-GVGD: "Class C25". The arginine amino acid residue is found in multiple mammalian species, which suggests that this missense change does not adversely affect protein function. Algorithms developed to predict the effect of sequence changes on RNA splicing suggest that this variant may create or strengthen a splice site. In summary, the available evidence is currently insufficient to determine the role of this variant in disease. Therefore, it has been classified as a Variant of Uncertain Significance.

NM_003906.5(MCM3AP):c.3722A>G (p.Lys1241Arg)

Gene: MCM3AP (minichromosome maintenance complex component 3 associated protein; minus strand). Cytogenetic location: 21q22.3.
Variant type: single nucleotide variant.
Coding change: c.3722A>G on transcript NM_003906.5 (MANE Select); coding-DNA position 3722, A replaced by G.
Protein change: p.Lys1241Arg; replaces lysine 1241 with arginine.
Molecular consequence: missense variant.
Genome position (GRCh38, 1-based): chr21:46,258,951, T>C on the plus strand (A>G on the coding strand, the complement: MCM3AP is on the minus strand). VCF-style: chr21-46258951-T-C. GRCh37 (hg19) VCF-style: chr21-47678865-T-C.
Other names: short protein forms K1241R.
Identifiers: ClinVar variation 2012958 (VCV002012958.1), dbSNP rs779935208, ClinGen allele CA321984239.
Genomic context (GRCh38, chr21:46,258,951, plus strand): 5'-ACTCTTCCCCGTGTGTGTGGATTTTGCCTGTAGGAACACAGGACTCACCGCTGTAGATAC[T>C]TGCAGAAGCACTGAAGCTCCTGGAGGGTCTCCTTTGCAGTCTGGAAGATTTCCTCCACGA-3'
Protein context (NP_003897.2, residues 1231-1251): ETLQELQCFC[Lys1241Arg]YLQRWREAVT